The following is an entry in ClinVar:

NM_014208.3(DSPP):c.1112G>C (p.Ser371Thr)

Genes: DMP1-AS1 (DMP1 and DSPP antisense RNA 1; minus strand), DSPP (dentin sialophosphoprotein; plus strand). Cytogenetic location: 4q22.1.
Variant type: single nucleotide variant.
Coding change: c.1112G>C on transcript NM_014208.3 (MANE Select); coding-DNA position 1112, G replaced by C.
Protein change: p.Ser371Thr; replaces serine 371 with threonine.
Molecular consequence: missense variant.
Genome position (GRCh38, 1-based): chr4:87,613,298, G>C. VCF-style: chr4-87613298-G-C. GRCh37 (hg19) VCF-style: chr4-88534450-G-C.
Other names: short protein forms S371T.
Identifiers: ClinVar variation 2965939 (VCV002965939.3), dbSNP rs773064735, ClinGen allele CA357605877.

ClinVar aggregate classification (germline): Uncertain significance (1 of 4 stars; one submission).

gnomAD v4.1: 1 of 1,613,130 alleles (0.000062%); highest among the groups gnomAD compares: South Asian, 0.0011%; no homozygotes.

Submission:

Labcorp Genetics (formerly Invitae), Labcorp
Classification: Uncertain significance. Last evaluated: 2023-01-03. Review status: criteria provided, single submitter. Criteria: Invitae Variant Classification Sherloc (09022015). Collection method: clinical testing. Allele origin: germline.
Comment: This sequence change replaces serine, which is neutral and polar, with threonine, which is neutral and polar, at codon 371 of the DSPP protein (p.Ser371Thr). This variant is not present in population databases (gnomAD no frequency). This variant has not been reported in the literature in individuals affected with DSPP-related conditions. Algorithms developed to predict the effect of missense changes on protein structure and function output the following: SIFT: "Deleterious"; PolyPhen-2: "Possibly Damaging"; Align-GVGD: "Class C55". The threonine amino acid residue is found in multiple mammalian species, which suggests that this missense change does not adversely affect protein function. In summary, the available evidence is currently insufficient to determine the role of this variant in disease. Therefore, it has been classified as a Variant of Uncertain Significance.